The following is an entry in ClinVar:

NM_005529.7(HSPG2):c.4503G>A (p.Pro1501=)

Gene: HSPG2 (heparan sulfate proteoglycan 2; minus strand). Cytogenetic location: 1p36.12.
Variant type: single nucleotide variant.
Coding change: c.4503G>A on transcript NM_005529.7 (MANE Select); coding-DNA position 4503, G replaced by A.
Protein change: p.Pro1501=; no amino-acid change (proline 1501 retained).
Molecular consequence: synonymous variant.
Genome position (GRCh38, 1-based): chr1:21,864,966, C>T on the plus strand (G>A on the coding strand, the complement: HSPG2 is on the minus strand). VCF-style: chr1-21864966-C-T. GRCh37 (hg19) VCF-style: chr1-22191459-C-T.
Other names: c.4506G>A, p.Pro1502= (NM_001291860.2).
Identifiers: ClinVar variation 1532297 (VCV001532297.31), dbSNP rs781260091, ClinGen allele CA672252.

ClinVar aggregate classification (germline): Likely benign. Review status: criteria provided, multiple submitters, no conflicts (2 of 4 stars). 2 submissions from 2 submitters: Likely benign (2). Last evaluated 2023-08-24.

Allele frequency attached by ClinVar (database versions not stated): gnomAD exomes below 0.00001; gnomAD 0.00001; TOPMed 0.00002.
gnomAD v4.1: 13 of 1,597,018 alleles (0.00081%); highest among the groups gnomAD compares: East Asian, 0.0023%; no homozygotes.

Submissions (2):

Labcorp Genetics (formerly Invitae), Labcorp
Classification: Likely benign. Last evaluated: 2023-08-24. Review status: criteria provided, single submitter. Criteria: Invitae Variant Classification Sherloc (09022015). Collection method: clinical testing. Allele origin: germline.

CeGaT Center for Human Genetics Tuebingen
Classification: Likely benign. Last evaluated: 2022-07-01. Review status: criteria provided, single submitter. Criteria: CeGaT Center For Human Genetics Tuebingen Variant Classification Criteria Version 2. Collection method: clinical testing. Allele origin: germline. Affected: yes. Observed: 1 variant allele.
Comment: HSPG2: BP4, BP7